The following is an entry in ClinVar:

NM_024426.6(WT1):c.380C>T (p.Pro127Leu)

Genes: WT1 (WT1 transcription factor; minus strand), LOC107982234 (WT1/WT1-AS bi-directional promoter region; plus strand). Cytogenetic location: 11p13.
Variant type: single nucleotide variant.
Coding change: c.380C>T on transcript NM_024426.6 (MANE Select); coding-DNA position 380, C replaced by T.
Protein change: p.Pro127Leu; replaces proline 127 with leucine.
Molecular consequence: missense variant. On other transcripts: non-coding transcript variant (2).
Genome position (GRCh38, 1-based): chr11:32,434,981, G>A on the plus strand (C>T on the coding strand, the complement: WT1 is on the minus strand). VCF-style: chr11-32434981-G-A. GRCh37 (hg19) VCF-style: chr11-32456527-G-A.
Other names: c.365C>T (NM_024426.4); c.380C>T, p.Pro127Leu (NM_000378.6, NM_001407044.1, NM_001407045.1 and 6 more transcripts); c.365C>T, p.Pro122Leu (NM_024425.2); short protein forms P122L, P127L.
Identifiers: ClinVar variation 2921656 (VCV002921656.4), dbSNP rs1387576357, ClinGen allele CA379965810.

ClinVar aggregate classification (germline): Uncertain significance. Review status: criteria provided, multiple submitters, no conflicts (2 of 4 stars). 2 submissions from 2 submitters: Uncertain significance (2). Last evaluated 2025-06-10.

Conditions:
Wilms tumor 1 (WT1). Also called: Wilms tumor, somatic. Identifiers: Orphanet 654, MedGen CN033288, MONDO:0008679, OMIM 194070.
11p partial monosomy syndrome (WAGR). Also called: CHROMOSOME 11p13 DELETION SYNDROME; WAGR Complex; WAGR Spectrum Disorder; WAGR syndrome. Identifiers: Orphanet 893, MedGen C0206115, MONDO:0008681, OMIM 194072.
Drash syndrome (DDS). Also called: NEPHROPATHY, WILMS TUMOR, AND GENITAL ANOMALIES; WILMS TUMOR AND PSEUDO- OR TRUE HERMAPHRODITISM. Identifiers: Orphanet 220, MedGen C0950121, MONDO:0008682, OMIM 194080.
Frasier syndrome. Identifiers: Orphanet 347, MedGen C0950122, MeSH D052159, MONDO:0007635, OMIM 136680.
Inborn genetic diseases. Identifiers: MedGen C0950123, MeSH D030342.

gnomAD v4.1: 1 of 1,518,560 alleles (0.000066%); no homozygotes.

Submissions (2):

Ambry Genetics
Classification: Uncertain significance for Inborn genetic diseases. Last evaluated: 2025-06-10. Review status: criteria provided, single submitter. Criteria: Ambry Variant Classification Scheme 2023. Collection method: clinical testing. Allele origin: germline.

Labcorp Genetics (formerly Invitae), Labcorp
Classification: Uncertain significance for Wilms tumor 1; Drash syndrome; 11p partial monosomy syndrome; Frasier syndrome. Last evaluated: 2023-07-25. Review status: criteria provided, single submitter. Criteria: Invitae Variant Classification Sherloc (09022015). Collection method: clinical testing. Allele origin: germline.
Comment: In summary, the available evidence is currently insufficient to determine the role of this variant in disease. Therefore, it has been classified as a Variant of Uncertain Significance. An algorithm developed to predict the effect of missense changes on protein structure and function (PolyPhen-2) suggests that this variant is likely to be disruptive. This variant has not been reported in the literature in individuals affected with WT1-related conditions. This variant is not present in population databases (gnomAD no frequency). This sequence change replaces proline, which is neutral and non-polar, with leucine, which is neutral and non-polar, at codon 122 of the WT1 protein (p.Pro122Leu).